The following is an entry in ClinVar:

NM_005619.5(RTN2):c.981G>A (p.Pro327=)

Genes: OPA3-RTN2 (OPA3-RTN2 readthrough; minus strand), RTN2 (reticulon 2; minus strand). Cytogenetic location: 19q13.32.
Variant type: single nucleotide variant.
Coding change: c.981G>A on transcript NM_005619.5 (MANE Select); coding-DNA position 981, G replaced by A.
Protein change: p.Pro327=; no amino-acid change (proline 327 retained).
Molecular consequence: synonymous variant. On other transcripts: 5 prime UTR variant (1), intron variant (1).
Genome position (GRCh38, 1-based): chr19:45,493,212, C>T on the plus strand (G>A on the coding strand, the complement: RTN2 is on the minus strand). VCF-style: chr19-45493212-C-T. GRCh37 (hg19) VCF-style: chr19-45996470-C-T.
Other names: c.-40G>A (NM_206901.3); c.814+954G>A (NM_206900.3); c.981G>A (NM_005619.3).
Identifiers: ClinVar variation 458239 (VCV000458239.11), dbSNP rs368114241, ClinGen allele CA9516116.

ClinVar aggregate classification (germline): Benign/Likely benign. Review status: criteria provided, multiple submitters, no conflicts (2 of 4 stars). 2 submissions from 2 submitters: Benign (1); Likely benign (1). Last evaluated 2024-12-31.

Conditions:
Spastic paraplegia. Identifiers: MedGen C0037772, HP:0001258.

Allele frequency attached by ClinVar (database versions not stated): gnomAD exomes 0.00001; ExAC 0.00002; ESP Exome Variant Server 0.00008; gnomAD 0.00012 and 0.00013; TOPMed 0.00015.
gnomAD v4.1: 44 of 1,613,478 alleles (0.0027%); highest among the groups gnomAD compares: African/African-American, 0.051%; no homozygotes.

Submissions (2):

Athena Diagnostics
Classification: Benign. Last evaluated: 2024-12-31. Review status: criteria provided, single submitter. Criteria: Athena Diagnostics Criteria. Collection method: clinical testing. Allele origin: unknown.
Comment: The frequency of this variant in the general population is higher than would generally be expected for pathogenic variants in this gene. Computational tools yielded predictions that this variant is unlikely to have an effect on normal RNA splicing. This nucleotide position exhibits low evolutionary conservation.

Labcorp Genetics (formerly Invitae), Labcorp
Classification: Likely benign for Spastic paraplegia. Last evaluated: 2022-04-23. Review status: criteria provided, single submitter. Criteria: Invitae Variant Classification Sherloc (09022015). Collection method: clinical testing. Allele origin: germline.